The following is an entry in ClinVar:

NM_003108.4(SOX11):c.703C>A (p.Leu235Met)

Gene: SOX11 (SRY-box transcription factor 11; plus strand). Cytogenetic location: 2p25.2.
Variant type: single nucleotide variant.
Coding change: c.703C>A on transcript NM_003108.4 (MANE Select); coding-DNA position 703, C replaced by A.
Protein change: p.Leu235Met; replaces leucine 235 with methionine.
Molecular consequence: missense variant.
Genome position (GRCh38, 1-based): chr2:5,693,424, C>A. VCF-style: chr2-5693424-C-A. GRCh37 (hg19) VCF-style: chr2-5833556-C-A.
Other names: short protein forms L235M.
Identifiers: ClinVar variation 3167705 (VCV003167705.4), dbSNP rs756004827, ClinGen allele CA1517900.

ClinVar aggregate classification (germline): Uncertain significance. Review status: criteria provided, multiple submitters, no conflicts (2 of 4 stars). 3 submissions from 3 submitters: Uncertain significance (3). Last evaluated 2025-04-30.

Conditions:
Inborn genetic diseases. Identifiers: MedGen C0950123, MeSH D030342.
Intellectual developmental disorder with microcephaly and with or without ocular malformations or hypogonadotropic hypogonadism. Also called: Intellectual disability, autosomal dominant 27; Coffin-Siris Syndrome 9. Identifiers: Orphanet 1465, MedGen C4014528, MONDO:0014376, OMIM 615866.

Allele frequency attached by ClinVar (database versions not stated): gnomAD 0.00004; ExAC 0.00001; gnomAD exomes 0.00001; TOPMed 0.00003.

Submissions (3):

Labcorp Genetics (formerly Invitae), Labcorp
Classification: Uncertain significance. Last evaluated: 2025-04-30. Review status: criteria provided, single submitter. Criteria: Invitae Variant Classification Sherloc (09022015). Collection method: clinical testing. Allele origin: germline.
Comment: This sequence change replaces leucine, which is neutral and non-polar, with methionine, which is neutral and non-polar, at codon 235 of the SOX11 protein (p.Leu235Met). The frequency data for this variant in the population databases is considered unreliable, as metrics indicate poor data quality at this position in the gnomAD database. This variant has not been reported in the literature in individuals affected with SOX11-related conditions. ClinVar contains an entry for this variant (Variation ID: 3167705). Invitae Evidence Modeling of protein sequence and biophysical properties (such as structural, functional, and spatial information, amino acid conservation, physicochemical variation, residue mobility, and thermodynamic stability) indicates that this missense variant is not expected to disrupt SOX11 protein function with a negative predictive value of 95%. In summary, the available evidence is currently insufficient to determine the role of this variant in disease. Therefore, it has been classified as a Variant of Uncertain Significance.

Fulgent Genetics
Classification: Uncertain significance for Intellectual developmental disorder with microcephaly and with or without ocular malformations or hypogonadotropic hypogonadism. Last evaluated: 2024-04-29. Review status: criteria provided, single submitter. Criteria: ACMG Guidelines, 2015. Collection method: clinical testing. Allele origin: germline.

Ambry Genetics
Classification: Uncertain significance for Inborn genetic diseases. Last evaluated: 2023-10-05. Review status: criteria provided, single submitter. Criteria: Ambry Variant Classification Scheme 2023. Collection method: clinical testing. Allele origin: germline.